The following is an entry in ClinVar:

ClinVar aggregate classification (germline): Benign (1 of 4 stars; one submission).

Allele frequency attached by ClinVar (database versions not stated): 1000 Genomes Project 0.28175; gnomAD exomes 0.28537; 1000 Genomes Project 30x 0.29169; ExAC 0.29800; gnomAD 0.34189; TOPMed 0.35514; ESP Exome Variant Server 0.38498.
gnomAD v4.1: 458,254 of 1,572,894 alleles (29%); highest among the groups gnomAD compares: African/African-American, 55%; 72,767 homozygotes.

Submission:

Unidad de Genómica Garrahan, Hospital de Pediatría Garrahan
Classification: Benign. Last evaluated: 2024-01-24. Review status: criteria provided, single submitter. Criteria: ACMG Guidelines, 2015. Collection method: clinical testing. Allele origin: germline. Affected: no. Observed: 44 variant alleles.
Comment: This variant is classified as Benign based on local population frequency. This variant was detected in 46% of patients studied by a panel of primary immunodeficiencies. Number of patients: 44. Only high quality variants are reported.

NM_005337.5(NCKAP1L):c.2375+36T>C

Gene: NCKAP1L (NCK associated protein 1 like; plus strand). Cytogenetic location: 12q13.2.
Variant type: single nucleotide variant.
Coding change: c.2375+36T>C on transcript NM_005337.5 (MANE Select); 36 bases into the intron after coding-DNA position 2375, T replaced by C.
Molecular consequence: intron variant.
Genome position (GRCh38, 1-based): chr12:54,526,782, T>C. VCF-style: chr12-54526782-T-C. GRCh37 (hg19) VCF-style: chr12-54920566-T-C.
Other names: c.2225+36T>C (NM_001184976.2).
Identifiers: ClinVar variation 2688139 (VCV002688139.2), dbSNP rs12369172, ClinGen allele CA6609402.
Genomic context (GRCh38, chr12:54,526,782, plus strand): 5'-CAATCACCACACTCTACACAAACTGGTCAGTGTTGCTTAGGCTTTTCCACTGCCTTACTT[T>C]GTGTTGGCACTTTTTCCTTTACACGGTAGGACCTCAGGGCCCGAGCATTTTAGCTCCCAG-3'